The following is an entry in ClinVar:

ClinVar aggregate classification (germline): Uncertain significance (1 of 4 stars; one submission).

Conditions:
PPP1R21-related disorder. Also called: PPP1R21-related condition.

gnomAD v4.1: 8 of 1,613,578 alleles (0.0005%); highest among the groups gnomAD compares: Admixed American, 0.0017%; no homozygotes.

Submission:

PreventionGenetics, part of Exact Sciences
Classification: Uncertain significance for PPP1R21-related condition. Last evaluated: 2022-10-21. Review status: criteria provided, single submitter. Criteria: ACMG Guidelines, 2015. Collection method: clinical testing. Allele origin: germline.
Comment: The PPP1R21 c.2214C>G variant is predicted to result in premature protein termination (p.Tyr738*). To our knowledge, this variant has not been reported in the literature. This variant is reported in 0.0018% of alleles in individuals of European (Non-Finnish) descent in gnomAD. Although we suspect that this variant may be pathogenic, at this time, the clinical significance of this variant is uncertain due to the absence of conclusive functional and genetic evidence.

NM_001135629.3(PPP1R21):c.2214C>G (p.Tyr738Ter)

Gene: PPP1R21 (protein phosphatase 1 regulatory subunit 21; plus strand). Cytogenetic location: 2p16.3.
Variant type: single nucleotide variant.
Coding change: c.2214C>G on transcript NM_001135629.3 (MANE Select); coding-DNA position 2214, C replaced by G.
Protein change: p.Tyr738Ter; replaces tyrosine 738 with a stop codon.
Molecular consequence: nonsense. On other transcripts: non-coding transcript variant (1).
Genome position (GRCh38, 1-based): chr2:48,511,369, C>G. VCF-style: chr2-48511369-C-G. GRCh37 (hg19) VCF-style: chr2-48738508-C-G.
Other names: c.2088C>G, p.Tyr696Ter (NM_001193475.2); c.2181C>G, p.Tyr727Ter (NM_152994.5); short protein forms Y696*, Y727*, Y738*.
Identifiers: ClinVar variation 2637022 (VCV002637022.1), dbSNP rs368074104, ClinGen allele CA1651610.
Genomic context (GRCh38, chr2:48,511,369, plus strand): 5'-GTTGATTTTTGTCTTTTTCTTTGCTATTTAGGATGAGCTGACAACTACCAAGAGGAGTTA[C>G]GAGGATCAGTTAAGTATGATGAGTGACCACCTGTGCAGCATGAATGAGACATTATCTAAA-3'